The following is an entry in ClinVar:

NM_004789.4(LHX2):c.699C>G (p.Pro233=)

Gene: LHX2 (LIM homeobox 2; plus strand). Cytogenetic location: 9q33.3.
Variant type: single nucleotide variant.
Coding change: c.699C>G on transcript NM_004789.4 (MANE Select); coding-DNA position 699, C replaced by G.
Protein change: p.Pro233=; no amino-acid change (proline 233 retained).
Molecular consequence: synonymous variant.
Genome position (GRCh38, 1-based): chr9:124,015,497, C>G. VCF-style: chr9-124015497-C-G. GRCh37 (hg19) VCF-style: chr9-126777776-C-G.
Identifiers: ClinVar variation 4979771 (VCV004979771.1).
Genomic context (GRCh38, chr9:124,015,497, plus strand): 5'-CTACAATGGCGTGGGCACTGTGCAGAAGGGGCGGCCGAGGAAACGTAAGAGCCCGGGCCC[C>G]GGTGCGGATCTGGCGGCCTACAACGCTGGTGAGTGCGCGGCGCACGAAGCGCCCCCATAG-3'
Protein context (NP_004780.3, residues 223-243): GRPRKRKSPG[Pro233=]GADLAAYNAA

ClinVar aggregate classification (germline): Likely benign (1 of 4 stars; one submission).

Conditions:
LHX2-related disorder. Also called: LHX2-related condition.

gnomAD v4.1: 128 of 1,472,836 alleles (0.0087%); highest among the groups gnomAD compares: East Asian, 0.052%; no homozygotes.

Submission:

PreventionGenetics, part of Exact Sciences
Classification: Likely benign for LHX2-related condition. Last evaluated: 2025-11-16. Review status: criteria provided, single submitter. Criteria: ACMG Guidelines, 2015. Collection method: clinical testing. Allele origin: germline.
Comment: This variant is classified as likely benign based on ACMG/AMP sequence variant interpretation guidelines (Richards et al. 2015 PMID: 25741868, with internal and published modifications).